The following is an entry in ClinVar:

NM_000094.4(COL7A1):c.7078G>C (p.Gly2360Arg)

Gene: COL7A1 (collagen type VII alpha 1 chain; minus strand). Cytogenetic location: 3p21.31.
Variant type: single nucleotide variant.
Coding change: c.7078G>C on transcript NM_000094.4 (MANE Select); coding-DNA position 7078, G replaced by C.
Protein change: p.Gly2360Arg; replaces glycine 2360 with arginine.
Molecular consequence: missense variant.
Genome position (GRCh38, 1-based): chr3:48,571,269, C>G on the plus strand (G>C on the coding strand, the complement: COL7A1 is on the minus strand). VCF-style: chr3-48571269-C-G. GRCh37 (hg19) VCF-style: chr3-48608702-C-G.
Other names: short protein forms G2360R.
Identifiers: ClinVar variation 5006633 (VCV005006633.2).
Genomic context (GRCh38, chr3:48,571,269, plus strand): 5'-GGACCCCAGCAGGGACCCTTCTGGGTACACATACCTTGAAACCTTTGGGTCCTGGAGCCC[C>G]TTTCTGACCCTAAGAAAACCCAGCAAACAGCATTTGAGAGGGTAGGAACATGAGCACAGA-3'
Protein context (NP_000085.1, residues 2350-2370): PGDPGEDGQK[Gly2360Arg]APGPKGFKGD

ClinVar aggregate classification (germline): Pathogenic (1 of 4 stars; one submission).

Conditions:
Pretibial dystrophic epidermolysis bullosa. Also called: EPIDERMOLYSIS BULLOSA DYSTROPHICA, PRETIBIAL; Pretibial epidermolysis bullosa; Pretibial blistering. Identifiers: Orphanet 79410, MedGen C0432321, MONDO:0007552, OMIM 131850, HP:0012221.
Dominant dystrophic epidermolysis bullosa with absence of skin. Also called: EPIDERMOLYSIS BULLOSA WITH CONGENITAL LOCALIZED ABSENCE OF SKIN AND DEFORMITY OF NAILS; EPIDERMOLYSIS BULLOSA DYSTROPHICA, BART TYPE. Identifiers: MedGen C0268371, MONDO:0007557, OMIM 132000.
Generalized dominant dystrophic epidermolysis bullosa (DDEB). Also called: Dominant DEB (DDEB); DYSTROPHIC EPIDERMOLYSIS BULLOSA, AUTOSOMAL DOMINANT; Epidermolysis bullosa dystrophica, autosomal dominant; DDEB, generalized; DDEB-gen. Identifiers: Orphanet 231568, MedGen C0432322, MONDO:0007549, OMIM 131750.
Nonsyndromic congenital nail disorder 8. Also called: TOENAIL DYSTROPHY, ISOLATED. Identifiers: MedGen C1843761, MONDO:0011852, OMIM 607523.
Epidermolysis bullosa pruriginosa. Also called: DEB, PRURIGINOSA; DYSTROPHIC EPIDERMOLYSIS BULLOSA PRURIGINOSA. Identifiers: Orphanet 89843, MedGen C1275114, MONDO:0011398, OMIM 604129.
Transient bullous dermolysis of the newborn (TBDN). Also called: EPIDERMOLYSIS BULLOSA DYSTROPHICA, NEONATAL FORM; DYSTROPHIC EPIDERMOLYSIS BULLOSA, NEONATAL. Identifiers: Orphanet 79411, MedGen C1851573, MONDO:0007548, OMIM 131705.
Recessive dystrophic epidermolysis bullosa (RDEB). Also called: Recessive DEB (RDEB); Epidermolysis Bullosa Distrophica Autosomal Recessive (RDEB); Hallopeau-Siemens Disease; severe generalized recessive dystrophic epidermolysis bullosa; epidermolysis bullosa dystrophica, autosomal recessive; DYSTROPHIC EPIDERMOLYSIS BULLOSA, AUTOSOMAL RECESSIVE. Identifiers: Orphanet 79408, Orphanet 79409, MedGen C0079474, MONDO:0009179, OMIM 226600.

Submission:

Juno Genomics, Hangzhou Juno Genomics, Inc
Classification: Pathogenic for Transient bullous dermolysis of the newborn; Recessive dystrophic epidermolysis bullosa; Generalized dominant dystrophic epidermolysis bullosa; Dominant dystrophic epidermolysis bullosa with absence of skin; Nonsyndromic congenital nail disorder 8; Epidermolysis bullosa pruriginosa; Pretibial dystrophic epidermolysis bullosa. Review status: criteria provided, single submitter. Criteria: ACMG Guidelines, 2015. Collection method: clinical testing. Allele origin: germline.
Comment: Absent from controls (or at extremely low frequency if recessive) in Genome Aggregation Database.;Same amino acid change as a previously established pathogenic variant regardless of nucleotide change.;Multiple lines of computational evidence support a deleterious effect on the gene or gene product.;Missense variant in a gene that has a low rate of benign missense variation.;For recessive disorders, detected in trans with a pathogenic variant.;Co-segregation with disease in multiple affected family members.